The following is an entry in ClinVar:

NM_021930.6(RINT1):c.2249T>G (p.Val750Gly)

Genes: EFCAB10 (EF-hand calcium binding domain 10; minus strand), RINT1 (RAD50 interactor 1; plus strand). Cytogenetic location: 7q22.3.
Variant type: single nucleotide variant.
Coding change: c.2249T>G on transcript NM_021930.6 (MANE Select); coding-DNA position 2249, T replaced by G.
Protein change: p.Val750Gly; replaces valine 750 with glycine.
Molecular consequence: missense variant. On other transcripts: 3 prime UTR variant (2), non-coding transcript variant (1), intron variant (3).
Genome position (GRCh38, 1-based): chr7:105,567,181, T>G. VCF-style: chr7-105567181-T-G. GRCh37 (hg19) VCF-style: chr7-105207628-T-G.
Other names: c.*273A>C (NM_001355527.2, NM_001355529.2); c.2015T>G, p.Val672Gly (NM_001346599.2); c.1226T>G, p.Val409Gly (NM_001346600.2, NM_001346603.2); c.1325T>G, p.Val442Gly (NM_001346601.2); c.360-1734A>C (NM_001355531.2); c.383+286A>C (NM_001355526.2, NM_001355530.2); short protein forms V672G, V442G, V409G, V750G.
Identifiers: ClinVar variation 1788386 (VCV001788386.3), dbSNP rs2485202169, ClinGen allele CA368815484.

ClinVar aggregate classification (germline): Uncertain significance (1 of 4 stars; one submission).

Submission:

Ambry Genetics
Classification: Uncertain significance. Last evaluated: 2025-04-05. Review status: criteria provided, single submitter. Criteria: Ambry Variant Classification Scheme 2023. Collection method: clinical testing. Allele origin: germline.
Comment: The p.V750G variant (also known as c.2249T>G), located in coding exon 15 of the RINT1 gene, results from a T to G substitution at nucleotide position 2249. The valine at codon 750 is replaced by glycine, an amino acid with dissimilar properties. This amino acid position is conserved. In addition, the in silico prediction for this alteration is inconclusive. Since supporting evidence is limited at this time, the clinical significance of this alteration remains unclear.